The following is an entry in ClinVar:

NM_001291303.3(FAT4):c.12769G>A (p.Glu4257Lys)

Gene: FAT4 (FAT atypical cadherin 4; plus strand). Cytogenetic location: 4q28.1.
Variant type: single nucleotide variant.
Coding change: c.12769G>A on transcript NM_001291303.3 (MANE Select); coding-DNA position 12769, G replaced by A.
Protein change: p.Glu4257Lys; replaces glutamic acid 4257 with lysine.
Molecular consequence: missense variant.
Genome position (GRCh38, 1-based): chr4:125,481,685, G>A. VCF-style: chr4-125481685-G-A. GRCh37 (hg19) VCF-style: chr4-126402840-G-A.
Other names: c.12769G>A, p.Glu4257Lys (NM_001291285.3); c.12763G>A, p.Glu4255Lys (NM_024582.6); short protein forms E4255K, E4257K.
Identifiers: ClinVar variation 449817 (VCV000449817.88), dbSNP rs143513466, ClinGen allele CA3074176.
Genomic context (GRCh38, chr4:125,481,685, plus strand): 5'-GGTGCCATGTTGGAGCCTTTTGGTGTGAACAGTCTGGAAGTAAAATTTAGGACCAGAAGC[G>A]AGAATGGCGTTTTAATCCATATCCAAGAAAGCAGCAATTACACTACTGTGAAGGTGAGAT-3'
Protein context (NP_001278232.1, residues 4247-4267): SLEVKFRTRS[Glu4257Lys]NGVLIHIQES

ClinVar aggregate classification (germline): Conflicting classifications of pathogenicity. Review status: criteria provided, conflicting classifications (1 of 4 stars). 6 submissions from 6 submitters: Uncertain significance (3); Likely benign (3). Last evaluated 2026-08-04.

Conditions:
Inborn genetic diseases. Identifiers: MedGen C0950123, MeSH D030342.

Allele frequency attached by ClinVar (database versions not stated): TOPMed 0.00045; ExAC 0.00048; gnomAD exomes 0.00051 and 0.00077; gnomAD 0.00052 and 0.00056; ESP Exome Variant Server 0.00069.
gnomAD v4.1: 1,183 of 1,613,908 alleles (0.073%); highest among the groups gnomAD compares: Non-Finnish European, 0.096%; 1 homozygote.

Submissions (6):

GeneDx
Classification: Uncertain significance. Last evaluated: 2026-08-04. Review status: criteria provided, single submitter. Criteria: GeneDx Variant Classification Process June 2021. Collection method: clinical testing. Allele origin: germline.
Comment: In silico analysis suggests that this missense variant does not alter protein structure/function; Has not been previously published as pathogenic or benign to our knowledge

Labcorp Genetics (formerly Invitae), Labcorp
Classification: Likely benign. Last evaluated: 2025-12-23. Review status: criteria provided, single submitter. Criteria: Invitae Variant Classification Sherloc (09022015). Collection method: clinical testing. Allele origin: germline.

CeGaT Center for Human Genetics Tuebingen
Classification: Likely benign. Last evaluated: 2024-03-01. Review status: criteria provided, single submitter. Criteria: CeGaT Center For Human Genetics Tuebingen Variant Classification Criteria Version 2. Collection method: clinical testing. Allele origin: germline. Affected: yes. Observed: 3 variant alleles.
Comment: FAT4: BP4, BS1

ARUP Laboratories, Molecular Genetics and Genomics, ARUP Laboratories
Classification: Uncertain significance. Last evaluated: 2023-10-19. Review status: criteria provided, single submitter. Criteria: ARUP Molecular Germline Variant Investigation Process 2024. Collection method: clinical testing. Allele origin: germline.
Comment: The FAT4 c.12763G>A p.Glu4255Lys variant (rs143513466), to our knowledge, is not reported in the medical literature but is reported in ClinVar (Variation ID: 449817). This variant is found in the general population with an overall allele frequency of 0.05% (138/282,822 alleles) in the Genome Aggregation Database. Computational analyses are uncertain whether this variant is neutral or deleterious (REVEL: 0.215). Due to limited information, the clinical significance of this variant is uncertain at this time.

Women's Health and Genetics/Laboratory Corporation of America, LabCorp
Classification: Likely benign. Last evaluated: 2023-01-27. Review status: criteria provided, single submitter. Criteria: LabCorp Variant Classification Summary - May 2015. Collection method: clinical testing. Allele origin: germline.
Comment: Variant summary: FAT4 c.12763G>A (p.Glu4255Lys) results in a conservative amino acid change located in the second laminin globular (G) domain (IPR001791) of the encoded protein sequence. Three of four in-silico tools predict a benign effect of the variant on protein function. The variant allele was found at a frequency of 0.00051 in 251418 control chromosomes, predominantly at a frequency of 0.001 within the Non-Finnish European subpopulation in the gnomAD database. To our knowledge, no occurrence of c.12763G>A in individuals affected with FAT4-Related Disorders and no experimental evidence demonstrating its impact on protein function have been reported. Four clinical diagnostic laboratories have submitted clinical-significance assessments for this variant to ClinVar after 2014 and reported the variant as VUS (n=3), or likely benign (n=1). Based on the evidence outlined above, the variant was classified as likely benign.

Ambry Genetics
Classification: Uncertain significance for Inborn genetic diseases. Last evaluated: 2021-06-18. Review status: criteria provided, single submitter. Criteria: Ambry Variant Classification Scheme 2023. Collection method: clinical testing. Allele origin: germline.